The following is an entry in ClinVar:

ClinVar aggregate classification (germline): Uncertain significance (1 of 4 stars; one submission).

Conditions:
Cardiovascular phenotype. Identifiers: MedGen CN230736.
Hereditary cancer-predisposing syndrome. Also called: Hereditary Cancer Syndrome; Hereditary neoplastic syndrome; Neoplastic Syndromes, Hereditary; Tumor predisposition. Identifiers: Orphanet 140162, MedGen C0027672, MeSH D009386, MONDO:0015356.

Submission:

Ambry Genetics
Classification: Uncertain significance for Cardiovascular phenotype; Hereditary cancer-predisposing syndrome. Last evaluated: 2022-01-18. Review status: criteria provided, single submitter. Criteria: Ambry Variant Classification Scheme 2023. Collection method: clinical testing. Allele origin: germline.
Comment: The p.H1507Y variant (also known as c.4519C>T), located in coding exon 34 of the NF1 gene, results from a C to T substitution at nucleotide position 4519. The histidine at codon 1507 is replaced by tyrosine, an amino acid with similar properties. This amino acid position is conserved. In addition, this alteration is predicted to be deleterious by in silico analysis. Since supporting evidence is limited at this time, the clinical significance of this alteration remains unclear.

NM_001042492.3(NF1):c.4582C>T (p.His1528Tyr)

Gene: NF1 (neurofibromin 1; plus strand). Cytogenetic location: 17q11.2.
Variant type: single nucleotide variant.
Coding change: c.4582C>T on transcript NM_001042492.3 (MANE Select); coding-DNA position 4582, C replaced by T.
Protein change: p.His1528Tyr; replaces histidine 1528 with tyrosine.
Molecular consequence: missense variant.
Genome position (GRCh38, 1-based): chr17:31,261,715, C>T. VCF-style: chr17-31261715-C-T. GRCh37 (hg19) VCF-style: chr17-29588733-C-T.
Other names: c.4519C>T, p.His1507Tyr (NM_000267.4); short protein forms H1528Y, H1507Y.
Identifiers: ClinVar variation 1741177 (VCV001741177.2), dbSNP rs2151466192, ClinGen allele CA399000099.
Genomic context (GRCh38, chr17:31,261,715, plus strand): 5'-GTGTAGTGCTAAATGTGAACTGCTAATTTTTTTTCTAAGTAGTTTGCTGTATCTAGGGAT[C>T]ATAAAGCTGTTGGAAGACGACCTTTTGATAAGATGGCAACACTTCTTGCATACCTGGGTC-3'
Protein context (NP_001035957.1, residues 1518-1538): IGQYLSSNRD[His1528Tyr]KAVGRRPFDK